The following is an entry in ClinVar:

ClinVar aggregate classification (germline): Pathogenic. Review status: criteria provided, single submitter (1 of 4 stars). 2 submissions from 2 submitters: Pathogenic (1). 1 of the submissions does not count toward it. Last evaluated 2025-09-10.

Conditions:
Autosomal dominant keratitis-ichthyosis-hearing loss syndrome. Also called: Senter syndrome; HID SYNDROME; KID SYNDROME, AUTOSOMAL DOMINANT. Identifiers: Orphanet 477, MedGen C0265336, MONDO:0007850, OMIM 148210.
Autosomal recessive nonsyndromic hearing loss 1A (DFNB1A). Also called: GJB6-Related DFNB 1 Nonsyndromic Hearing Loss and Deafness; Deafness, autosomal recessive 1A; Connexin 26 deafness; Deafness nonsyndromic, Connexin 26 linked; GJB2-Related Autosomal Recessive Nonsyndromic Hearing Loss; Nonsyndromic Hearing Loss and Deafness, DFNB1. Identifiers: Orphanet 90636, MedGen C2673759, MONDO:0009076, OMIM 220290.

Submissions (2):

Genomic Medicine Center of Excellence, King Faisal Specialist Hospital and Research Centre
Classification: Pathogenic for Autosomal recessive nonsyndromic hearing loss 1A. Last evaluated: 2025-09-10. Review status: criteria provided, single submitter. Criteria: ACMG Guidelines, 2015. Collection method: clinical testing. Allele origin: germline.

FAHD UNIT, Department of Genetics, King Faisal Specialist Hospital and Research Centre
Classification: Likely pathogenic for Autosomal dominant keratitis-ichthyosis-hearing loss syndrome. Last evaluated: 2018-05-07. Review status: no assertion criteria provided. Collection method: clinical testing. Allele origin: germline. Inheritance: Autosomal recessive inheritance. Affected: yes. Observed: 3 variant alleles, 3 homozygotes. Clinical features observed: Abnormality of the nervous system (HP:0000707), Abnormality of the eye (HP:0000478), Abnormality of the integument (HP:0001574), Abnormality of the immune system (HP:0002715), Abnormality of connective tissue (HP:0003549). Not counted in ClinVar's aggregate classification.
Comment: The variant is causing keratitis-ichthyosis-deafness (KID) syndrome in three siblings, born to first-cousin healthy parents. The affected presented with the classic phenotypic triad of KID syndrome including diffuse hyperkeratotic erythroderma, neurosensory hearing loss and vascularizing keratitis.

NM_004004.6(GJB2):c.244A>G (p.Ile82Val)

Gene: GJB2 (gap junction protein beta 2; minus strand). Cytogenetic location: 13q12.11.
Variant type: single nucleotide variant.
Coding change: c.244A>G on transcript NM_004004.6 (MANE Select); coding-DNA position 244, A replaced by G.
Protein change: p.Ile82Val; replaces isoleucine 82 with valine.
Molecular consequence: missense variant.
Genome position (GRCh38, 1-based): chr13:20,189,338, T>C on the plus strand (A>G on the coding strand, the complement: GJB2 is on the minus strand). VCF-style: chr13-20189338-T-C. GRCh37 (hg19) VCF-style: chr13-20763477-T-C.
Other names: short protein forms I82V.
Identifiers: ClinVar variation 599264 (VCV000599264.4), dbSNP rs1566528711, ClinGen allele CA387461552.